The following is an entry in ClinVar:

ClinVar aggregate classification (germline): Uncertain significance (1 of 4 stars; one submission).

Submission:

Labcorp Genetics (formerly Invitae), Labcorp
Classification: Uncertain significance. Last evaluated: 2024-06-26. Review status: criteria provided, single submitter. Criteria: Invitae Variant Classification Sherloc (09022015). Collection method: clinical testing. Allele origin: germline.
Comment: This sequence change replaces tyrosine, which is neutral and polar, with cysteine, which is neutral and slightly polar, at codon 1132 of the CLTC protein (p.Tyr1132Cys). This variant is not present in population databases (gnomAD no frequency). This variant has not been reported in the literature in individuals affected with CLTC-related conditions. Advanced modeling of protein sequence and biophysical properties (such as structural, functional, and spatial information, amino acid conservation, physicochemical variation, residue mobility, and thermodynamic stability) performed at Invitae indicates that this missense variant is expected to disrupt CLTC protein function with a positive predictive value of 80%. In summary, the available evidence is currently insufficient to determine the role of this variant in disease. Therefore, it has been classified as a Variant of Uncertain Significance.

NM_004859.4(CLTC):c.3383A>G (p.Tyr1128Cys)

Gene: CLTC (clathrin heavy chain; plus strand). Cytogenetic location: 17q23.1.
Variant type: single nucleotide variant.
Coding change: c.3383A>G on transcript NM_004859.4 (MANE Select); coding-DNA position 3383, A replaced by G.
Protein change: p.Tyr1128Cys; replaces tyrosine 1128 with cysteine.
Molecular consequence: missense variant.
Genome position (GRCh38, 1-based): chr17:59,681,780, A>G. VCF-style: chr17-59681780-A-G. GRCh37 (hg19) VCF-style: chr17-57759141-A-G.
Other names: c.3395A>G, p.Tyr1132Cys (NM_001288653.2); short protein forms Y1128C, Y1132C.
Identifiers: ClinVar variation 3655843 (VCV003655843.2).